The following is an entry in ClinVar:

ClinVar aggregate classification (germline): Likely benign (0 of 4 stars; one submission).

Conditions:
LAMA5-related disorder. Also called: LAMA5-Related Disorders; LAMA5-related condition.

Allele frequency attached by ClinVar (database versions not stated): ExAC 0.00012.
gnomAD v4.1: 131 of 1,607,524 alleles (0.0081%); highest among the groups gnomAD compares: East Asian, 0.085%; no homozygotes.

Submission:

PreventionGenetics, part of Exact Sciences
Classification: Likely benign for LAMA5-related condition. Last evaluated: 2020-09-30. Review status: no assertion criteria provided. Collection method: clinical testing. Allele origin: germline.
Comment: This variant is classified as likely benign based on ACMG/AMP sequence variant interpretation guidelines (Richards et al. 2015 PMID: 25741868, with internal and published modifications).

NM_005560.6(LAMA5):c.9180C>T (p.Ala3060=)

Gene: LAMA5 (laminin subunit alpha 5; minus strand). Cytogenetic location: 20q13.33.
Variant type: single nucleotide variant.
Coding change: c.9180C>T on transcript NM_005560.6 (MANE Select); coding-DNA position 9180, C replaced by T.
Protein change: p.Ala3060=; no amino-acid change (alanine 3060 retained).
Molecular consequence: synonymous variant.
Genome position (GRCh38, 1-based): chr20:62,312,679, G>A on the plus strand (C>T on the coding strand, the complement: LAMA5 is on the minus strand). VCF-style: chr20-62312679-G-A. GRCh37 (hg19) VCF-style: chr20-60887735-G-A.
Identifiers: ClinVar variation 3032050 (VCV003032050.2), dbSNP rs368144472, ClinGen allele CA9940395.